The following is an entry in ClinVar:

NM_080916.3(DGUOK):c.206C>T (p.Thr69Ile)

Gene: DGUOK (deoxyguanosine kinase; plus strand). Cytogenetic location: 2p13.1.
Variant type: single nucleotide variant.
Coding change: c.206C>T on transcript NM_080916.3 (MANE Select); coding-DNA position 206, C replaced by T.
Protein change: p.Thr69Ile; replaces threonine 69 with isoleucine.
Molecular consequence: missense variant. On other transcripts: intron variant (4).
Genome position (GRCh38, 1-based): chr2:73,938,973, C>T. VCF-style: chr2-73938973-C-T. GRCh37 (hg19) VCF-style: chr2-74166100-C-T.
Other names: c.206C>T (NM_080916.1); c.206C>T, p.Thr69Ile (NM_001318859.2, NM_080918.3); c.-37+6290C>T (NM_001318861.2, NM_001318862.2); c.-36-7746C>T (NM_001318860.2, NM_001318863.2); short protein forms T69I.
Identifiers: ClinVar variation 1390608 (VCV001390608.6), dbSNP rs560564448, ClinGen allele CA1718198.

ClinVar aggregate classification (germline): Uncertain significance. Review status: criteria provided, multiple submitters, no conflicts (2 of 4 stars). 2 submissions from 2 submitters: Uncertain significance (2). Last evaluated 2025-06-26.

Conditions:
Inborn genetic diseases. Identifiers: MedGen C0950123, MeSH D030342.

Allele frequency attached by ClinVar (database versions not stated): TOPMed below 0.00001; ExAC 0.00001; gnomAD 0.00001; gnomAD exomes 0.00001 and 0.00002; 1000 Genomes Project 30x 0.00016; 1000 Genomes Project 0.00020.
gnomAD v4.1: 8 of 1,614,100 alleles (0.0005%); highest among the groups gnomAD compares: South Asian, 0.0055%; no homozygotes.

Submissions (2):

Ambry Genetics
Classification: Uncertain significance for Inborn genetic diseases. Last evaluated: 2025-06-26. Review status: criteria provided, single submitter. Criteria: Ambry Variant Classification Scheme 2023. Collection method: clinical testing. Allele origin: germline.

Labcorp Genetics (formerly Invitae), Labcorp
Classification: Uncertain significance. Last evaluated: 2024-10-23. Review status: criteria provided, single submitter. Criteria: Invitae Variant Classification Sherloc (09022015). Collection method: clinical testing. Allele origin: germline.
Comment: This sequence change replaces threonine, which is neutral and polar, with isoleucine, which is neutral and non-polar, at codon 69 of the DGUOK protein (p.Thr69Ile). This variant is present in population databases (rs560564448, gnomAD 0.01%). This variant has not been reported in the literature in individuals affected with DGUOK-related conditions. ClinVar contains an entry for this variant (Variation ID: 1390608). Invitae Evidence Modeling of protein sequence and biophysical properties (such as structural, functional, and spatial information, amino acid conservation, physicochemical variation, residue mobility, and thermodynamic stability) has been performed for this missense variant. However, the output from this modeling did not meet the statistical confidence thresholds required to predict the impact of this variant on DGUOK protein function. In summary, the available evidence is currently insufficient to determine the role of this variant in disease. Therefore, it has been classified as a Variant of Uncertain Significance.